The following is an entry in ClinVar:

NM_000182.5(HADHA):c.1620+11G>C

Genes: GAREM2 (GRB2 associated regulator of MAPK1 subtype 2; plus strand), HADHA (hydroxyacyl-CoA dehydrogenase trifunctional multienzyme complex subunit alpha; minus strand). Cytogenetic location: 2p23.3.
Variant type: single nucleotide variant.
Coding change: c.1620+11G>C on transcript NM_000182.5 (MANE Select); 11 bases into the intron after coding-DNA position 1620, G replaced by C.
Molecular consequence: intron variant.
Genome position (GRCh38, 1-based): chr2:26,195,081, C>G on the plus strand (G>C on the coding strand, the complement: HADHA is on the minus strand). VCF-style: chr2-26195081-C-G. GRCh37 (hg19) VCF-style: chr2-26417950-C-G.
Other names: p.?.
Identifiers: ClinVar variation 137531 (VCV000137531.24), dbSNP rs112236946, ClinGen allele CA291157.

ClinVar aggregate classification (germline): Benign/Likely benign. Review status: criteria provided, multiple submitters, no conflicts (2 of 4 stars). 8 submissions from 7 submitters: Benign (7); Likely benign (1). Last evaluated 2026-02-02.

Conditions:
Long chain 3-hydroxyacyl-CoA dehydrogenase deficiency. Also called: Deficiency of long-chain 3-hydroxyacyl-coenzyme A dehydrogenase; LCHAD Deficiency. Identifiers: Orphanet 5, MedGen C3711645, MONDO:0012173, OMIM 609016.
Mitochondrial trifunctional protein deficiency. Identifiers: Orphanet 746, MedGen C1969443, MONDO:0012172.

Allele frequency attached by ClinVar (database versions not stated): gnomAD exomes 0.00472; ExAC 0.00597; gnomAD 0.01807; TOPMed 0.02006; ESP Exome Variant Server 0.02045; 1000 Genomes Project 0.02117; 1000 Genomes Project 30x 0.02171.
gnomAD v4.1: 5,410 of 1,608,628 alleles (0.34%); highest among the groups gnomAD compares: African/African-American, 6.3%; 151 homozygotes.

Submissions (8):

Labcorp Genetics (formerly Invitae), Labcorp
Classification: Benign for Mitochondrial trifunctional protein deficiency; Long chain 3-hydroxyacyl-CoA dehydrogenase deficiency. Last evaluated: 2026-02-02. Review status: criteria provided, single submitter. Criteria: Invitae Variant Classification Sherloc (09022015). Collection method: clinical testing. Allele origin: germline.

Mayo Clinic Laboratories, Mayo Clinic
Classification: Benign. Last evaluated: 2022-05-05. Review status: criteria provided, single submitter. Criteria: ACMG Guidelines, 2015. Collection method: clinical testing. Allele origin: germline. Observed: 20 variant alleles.

Fulgent Genetics
Classification: Likely benign for Mitochondrial trifunctional protein deficiency 1; Long chain 3-hydroxyacyl-CoA dehydrogenase deficiency. Last evaluated: 2021-10-08. Review status: criteria provided, single submitter. Criteria: ACMG Guidelines, 2015. Collection method: clinical testing. Allele origin: unknown.

ARUP Laboratories, Molecular Genetics and Genomics, ARUP Laboratories
Classification: Benign. Last evaluated: 2020-02-14. Review status: criteria provided, single submitter. Criteria: ARUP Molecular Germline Variant Investigation Process. Collection method: clinical testing. Allele origin: germline.

Illumina Laboratory Services, Illumina
Classification: Benign for Mitochondrial trifunctional protein deficiency 1. Last evaluated: 2018-01-12. Review status: criteria provided, single submitter. Criteria: ICSL Variant Classification Criteria 13 December 2019. Collection method: clinical testing. Allele origin: germline.
Comment: This variant was observed in the ICSL laboratory as part of a predisposition screen in an ostensibly healthy population. It had not been previously curated by ICSL or reported in the Human Gene Mutation Database (HGMD: prior to June 1st, 2018), and was therefore a candidate for classification through an automated scoring system. Utilizing variant allele frequency, disease prevalence and penetrance estimates, and inheritance mode, an automated score was calculated to assess if this variant is too frequent to cause the disease. Based on the score and internal cut-off values, a variant classified as benign is not then subjected to further curation. The score for this variant resulted in a classification of benign for this disease.

Illumina Laboratory Services, Illumina
Classification: Benign for Long chain 3-hydroxyacyl-CoA dehydrogenase deficiency. Last evaluated: 2018-01-12. Review status: criteria provided, single submitter. Criteria: ICSL Variant Classification Criteria 13 December 2019. Collection method: clinical testing. Allele origin: germline.
Comment: the same text as in the submission from Illumina Laboratory Services, Illumina above.

GeneDx
Classification: Benign. Last evaluated: 2014-05-16. Review status: criteria provided, single submitter. Criteria: GeneDx Variant Classification (06012015). Collection method: clinical testing. Allele origin: germline. Affected: yes.
Comment: This variant is considered likely benign or benign based on one or more of the following criteria: it is a conservative change, it occurs at a poorly conserved position in the protein, it is predicted to be benign by multiple in silico algorithms, and/or has population frequency not consistent with disease.

Breakthrough Genomics
Classification: Benign. Review status: criteria provided, single submitter. Criteria: ACMG Guidelines, 2015. Collection method: not provided. Allele origin: germline. Inheritance: Autosomal recessive inheritance. Affected: yes.